The following is an entry in ClinVar:

NM_002485.5(NBN):c.1335G>T (p.Arg445Ser)

Gene: NBN (nibrin; minus strand). Cytogenetic location: 8q21.3.
Variant type: single nucleotide variant.
Coding change: c.1335G>T on transcript NM_002485.5 (MANE Select); coding-DNA position 1335, G replaced by T.
Protein change: p.Arg445Ser; replaces arginine 445 with serine.
Molecular consequence: missense variant.
Genome position (GRCh38, 1-based): chr8:89,955,345, C>A on the plus strand (G>T on the coding strand, the complement: NBN is on the minus strand). VCF-style: chr8-89955345-C-A. GRCh37 (hg19) VCF-style: chr8-90967573-C-A.
Other names: c.1089G>T, p.Arg363Ser (NM_001024688.3); short protein forms R445S, R363S.
Identifiers: ClinVar variation 481838 (VCV000481838.11), dbSNP rs1554559085, ClinGen allele CA371656085.
Genomic context (GRCh38, chr8:89,955,345, plus strand): 5'-TTTTTTGGTAGACGGCTGAAAGTAGTTTCTGATGGAGTTGGTCTGCTGCTGCTGAGAAGC[C>A]CTATCTTTACTTTTATTTATACTTGGCAATTTAGTTGGTGAAAGCTGATAGTTTGGGATT-3'
Protein context (NP_002476.2, residues 435-455): KLPSINKSKD[Arg445Ser]ASQQQQTNSI

ClinVar aggregate classification (germline): Uncertain significance. Review status: criteria provided, multiple submitters, no conflicts (2 of 4 stars). 2 submissions from 2 submitters: Uncertain significance (2). Last evaluated 2021-11-07.

Conditions:
Hereditary cancer-predisposing syndrome. Also called: Hereditary neoplastic syndrome; Neoplastic Syndromes, Hereditary; Tumor predisposition; Hereditary Cancer Syndrome. Identifiers: Orphanet 140162, MedGen C0027672, MeSH D009386, MONDO:0015356.
Microcephaly, normal intelligence and immunodeficiency (NBS). Also called: IMMUNODEFICIENCY, MICROCEPHALY, AND CHROMOSOMAL INSTABILITY; SEEMANOVA SYNDROME II; Nijmegen breakage syndrome; Microcephaly with normal intelligence immunodeficiency and lymphoreticular malignancies; Nonsyndromal microcephaly autosomal recessive with normal intelligence; Seemanova syndrome 2. Identifiers: Orphanet 647, MedGen C0398791, MONDO:0009623, OMIM 251260.

Submissions (2):

Genome-Nilou Lab
Classification: Uncertain significance for Microcephaly, normal intelligence and immunodeficiency. Last evaluated: 2021-11-07. Review status: criteria provided, single submitter. Criteria: ACMG Guidelines, 2015. Collection method: clinical testing. Allele origin: germline. Affected: no.

Ambry Genetics
Classification: Uncertain significance for Hereditary cancer-predisposing syndrome. Last evaluated: 2016-03-24. Review status: criteria provided, single submitter. Criteria: Ambry Variant Classification Scheme 2023. Collection method: clinical testing. Allele origin: germline.
Comment: The p.R445S variant (also known as c.1335G>T), located in coding exon 10 of the NBN gene, results from a G to T substitution at nucleotide position 1335. The arginine at codon 445 is replaced by serine, an amino acid with dissimilar properties. This variant was not reported in population based cohorts in the following databases: Database of Single Nucleotide Polymorphisms (dbSNP), NHLBI Exome Sequencing Project (ESP), and 1000 Genomes Project. In the ESP, this variant was not observed in 6503 samples (13006 alleles) with coverage at this position. To date, this alteration has been detected with an allele frequency of approximately 0.001% (greater than 120000 alleles tested) in our clinical cohort. This amino acid position is poorly conserved in available vertebrate species. In addition, this alteration is predicted to be tolerated by in silico analysis. Since supporting evidence is limited at this time, the clinical significance of this alteration remains unclear.